The following is an entry in ClinVar:

ClinVar aggregate classification (germline): Uncertain significance. Review status: criteria provided, multiple submitters, no conflicts (2 of 4 stars). 2 submissions from 2 submitters: Uncertain significance (2). Last evaluated 2022-06-14.

Conditions:
Cone-rod dystrophy 6 (CORD6). Also called: Cone dystrophy progressive; RETINAL CONE DYSTROPHY 2. Identifiers: Orphanet 1872, MedGen C1866293, MONDO:0011143, OMIM 601777.
Leber congenital amaurosis 1 (LCA1). Also called: RETINAL BLINDNESS, CONGENITAL; Congenital absence of the rods and cones; Leber's congenital tapetoretinal degeneration; Leber's congenital tapetoretinal dysplasia; AMAUROSIS CONGENITA OF LEBER I. Identifiers: Orphanet 65, MedGen C2931258, MONDO:0008764, OMIM 204000.

Submissions (2):

Labcorp Genetics (formerly Invitae), Labcorp
Classification: Uncertain significance for Leber congenital amaurosis 1; Cone-rod dystrophy 6. Last evaluated: 2022-06-14. Review status: criteria provided, single submitter. Criteria: Invitae Variant Classification Sherloc (09022015). Collection method: clinical testing. Allele origin: germline.
Comment: This sequence change replaces arginine, which is basic and polar, with proline, which is neutral and non-polar, at codon 822 of the GUCY2D protein (p.Arg822Pro). This variant is not present in population databases (gnomAD no frequency). This missense change has been observed in individual(s) with clinical features of autosomal recessive leber congenital amaurosis (PMID: 17964524, 23035049). In at least one individual the data is consistent with being in trans (on the opposite chromosome) from a pathogenic variant. ClinVar contains an entry for this variant (Variation ID: 92580). Algorithms developed to predict the effect of missense changes on protein structure and function (SIFT, PolyPhen-2, Align-GVGD) all suggest that this variant is likely to be disruptive. Experimental studies have shown that this missense change affects GUCY2D function (PMID: 23035049, 26100624). In summary, the available evidence is currently insufficient to determine the role of this variant in disease. Therefore, it has been classified as a Variant of Uncertain Significance.

Eurofins Ntd Llc (ga)
Classification: Uncertain significance. Last evaluated: 2013-08-09. Review status: criteria provided, single submitter. Criteria: EGL Classification Definitions 2015. Collection method: clinical testing. Allele origin: germline. Observed: 1 variant allele, 1 heterozygote.

Literature cited by the submitters: PubMed 17964524 (cited by Labcorp Genetics (formerly Invitae), Labcorp); PubMed 23035049 (cited by Labcorp Genetics (formerly Invitae), Labcorp); PubMed 26100624 (cited by Labcorp Genetics (formerly Invitae), Labcorp).

NM_000180.4(GUCY2D):c.2465G>C (p.Arg822Pro)

Gene: GUCY2D (guanylate cyclase 2D, retinal; plus strand). Cytogenetic location: 17p13.1.
Variant type: single nucleotide variant.
Coding change: c.2465G>C on transcript NM_000180.4 (MANE Select); coding-DNA position 2465, G replaced by C.
Protein change: p.Arg822Pro; replaces arginine 822 with proline.
Molecular consequence: missense variant.
Genome position (GRCh38, 1-based): chr17:8,014,653, G>C. VCF-style: chr17-8014653-G-C. GRCh37 (hg19) VCF-style: chr17-7917971-G-C.
Other names: short protein forms R822P.
Identifiers: ClinVar variation 92580 (VCV000092580.8), dbSNP rs398123233, ClinGen allele CA220457.